The following is an entry in ClinVar:

NM_000477.7(ALB):c.248C>T (p.Ala83Val)

Gene: ALB (albumin; plus strand). Cytogenetic location: 4q13.3.
Variant type: single nucleotide variant.
Coding change: c.248C>T on transcript NM_000477.7 (MANE Select); coding-DNA position 248, C replaced by T.
Protein change: p.Ala83Val; replaces alanine 83 with valine.
Molecular consequence: missense variant.
Genome position (GRCh38, 1-based): chr4:73,406,739, C>T. VCF-style: chr4-73406739-C-T. GRCh37 (hg19) VCF-style: chr4-74272456-C-T.
Other names: short protein forms A83V.
Identifiers: ClinVar variation 904664 (VCV000904664.6), dbSNP rs200736287, ClinGen allele CA2959316.

ClinVar aggregate classification (germline): Benign/Likely benign. Review status: criteria provided, multiple submitters, no conflicts (2 of 4 stars). 2 submissions from 2 submitters: Benign (1); Likely benign (1). Last evaluated 2024-09-24.

Conditions:
Hyperthyroxinemia, familial dysalbuminemic (FDAH). Also called: EUTHYROID HYPERTHYROXINEMIA 1. Identifiers: MedGen C0342185, MONDO:0014448, OMIM 615999.

Allele frequency attached by ClinVar (database versions not stated): TOPMed 0.00002; 1000 Genomes Project 0.00120; 1000 Genomes Project 30x 0.00125.
gnomAD v4.1: 290 of 1,613,852 alleles (0.018%); highest among the groups gnomAD compares: South Asian, 0.27%; 6 homozygotes.

Submissions (2):

Labcorp Genetics (formerly Invitae), Labcorp
Classification: Likely benign. Last evaluated: 2024-09-24. Review status: criteria provided, single submitter. Criteria: Invitae Variant Classification Sherloc (09022015). Collection method: clinical testing. Allele origin: germline.

Illumina Laboratory Services, Illumina
Classification: Benign for Hyperthyroxinemia, familial dysalbuminemic. Last evaluated: 2018-01-13. Review status: criteria provided, single submitter. Criteria: ICSL Variant Classification Criteria 13 December 2019. Collection method: clinical testing. Allele origin: germline.
Comment: This variant was observed in the ICSL laboratory as part of a predisposition screen in an ostensibly healthy population. It had not been previously curated by ICSL or reported in the Human Gene Mutation Database (HGMD: prior to June 1st, 2018), and was therefore a candidate for classification through an automated scoring system. Utilizing variant allele frequency, disease prevalence and penetrance estimates, and inheritance mode, an automated score was calculated to assess if this variant is too frequent to cause the disease. Based on the score and internal cut-off values, a variant classified as benign is not then subjected to further curation. The score for this variant resulted in a classification of benign for this disease.